The following is an entry in ClinVar:

ClinVar aggregate classification (germline): Pathogenic (1 of 4 stars; one submission).

Conditions:
Kleefstra syndrome 1 (KLEFS1). Identifiers: Orphanet 261494, MedGen C0795833, MONDO:0027407, OMIM 610253.

Submission:

Broad Center for Mendelian Genomics, Broad Institute of MIT and Harvard
Classification: Pathogenic for Kleefstra syndrome 1. Last evaluated: 2023-05-01. Review status: criteria provided, single submitter. Criteria: ACMG/ClinGen CNV Guidelines, 2019. Collection method: research. Allele origin: germline. Inheritance: Autosomal dominant inheritance. Affected: yes.
Comment: These breakpoints have been called by exome sequencing only and therefore may not reflect the true breakpoints. The patient phenotype is nonspecific, but is consistent with cases described in the literature and/or published databases with overlapping variants. There is complete overlap with the EHMT1 gene which is known to be haploinsufficient and has been assessed by the ClinGen Dosage Sensitivity Working Group. Data from large population studies are insufficient to assess the frequency of this variant. In summary, this variant meets criteria to be classified as pathogenic for Kleefstra syndrome. The ACMG/ClinGen evidence codes and points used in this curation are as follows: 1: 0 points, 2: 1 points, 3: 0 points, 4-5: 0.1 points; Total: 1.1 points; Riggs 2020 (PMID: 31690835).

Single allele

Genes: ENTPD8 (ectonucleoside triphosphate diphosphohydrolase 8; minus strand), TOR4A (torsin family 4 member A; plus strand), EXD3 (exonuclease 3'-5' domain containing 3; minus strand), CACNA1B (calcium voltage-gated channel subunit alpha1 B; plus strand), ARRDC1 (arrestin domain containing 1; plus strand) and 80 more. Cytogenetic location: 9q34.3.
Variant type: Deletion.
Identifiers: ClinVar variation 4819220 (VCV004819220.1).